The following is an entry in ClinVar:

NM_000350.3(ABCA4):c.4216C>T (p.His1406Tyr)

Gene: ABCA4 (ATP binding cassette subfamily A member 4; minus strand). Cytogenetic location: 1p22.1.
Variant type: single nucleotide variant.
Coding change: c.4216C>T on transcript NM_000350.3 (MANE Select); coding-DNA position 4216, C replaced by T.
Protein change: p.His1406Tyr; replaces histidine 1406 with tyrosine.
Molecular consequence: missense variant.
Genome position (GRCh38, 1-based): chr1:94,031,033, G>A on the plus strand (C>T on the coding strand, the complement: ABCA4 is on the minus strand). VCF-style: chr1-94031033-G-A. GRCh37 (hg19) VCF-style: chr1-94496589-G-A.
Other names: c.3994C>T, p.His1332Tyr (NM_001425324.1); short protein forms H1406Y, H1332Y.
Identifiers: ClinVar variation 99259 (VCV000099259.12), dbSNP rs61750133, ClinGen allele CA227165.

ClinVar aggregate classification (germline): Pathogenic. Review status: criteria provided, multiple submitters, no conflicts (2 of 4 stars). 3 submissions from 3 submitters: Pathogenic (2). 1 of the submissions does not count toward it. Last evaluated 2025-07-11.

Conditions:
Retinitis pigmentosa (RP). Identifiers: Orphanet 791, MedGen C0035334, MeSH D012174, MONDO:0019200, OMIM 268000. Inheritance: Autosomal dominant, autosomal recessive and X linked inheritance.

Submissions (3):

Women's Health and Genetics/Laboratory Corporation of America, LabCorp
Classification: Pathogenic for Retinitis pigmentosa. Last evaluated: 2025-07-11. Review status: criteria provided, single submitter. Criteria: LabCorp Variant Classification Summary - May 2015. Collection method: clinical testing. Allele origin: germline.
Comment: Variant summary: ABCA4 c.4216C>T (p.His1406Tyr) results in a conservative amino acid change in the encoded protein sequence. Algorithms developed to predict the effect of missense changes on protein structure and function are either unavailable or do not agree on the potential impact of this missense change. The variant was absent in 251350 control chromosomes. c.4216C>T has been observed in the compound heterozygous state in individuals affected with Stargardt disease (e.g. Lewis_1999, Cornelis_2022, Lin_2024, Noupuu_2014, Khan_2020, internal data). These data indicate that the variant is likely to be associated with disease. A different variant affecting the same codon has been classified as pathogenic by our lab (c.4217A>G (p.His1406Arg)), supporting the critical relevance of codon 1406 to ABCA4 protein function. The following publications have been ascertained in the context of this evaluation (PMID: 35120629, 32653833, 9973280, 38219857, 25301883). ClinVar contains an entry for this variant (Variation ID: 99259). Based on the evidence outlined above, the variant was classified as pathogenic.

Labcorp Genetics (formerly Invitae), Labcorp
Classification: Pathogenic. Last evaluated: 2024-05-08. Review status: criteria provided, single submitter. Criteria: Invitae Variant Classification Sherloc (09022015). Collection method: clinical testing. Allele origin: germline.
Comment: This sequence change replaces histidine, which is basic and polar, with tyrosine, which is neutral and polar, at codon 1406 of the ABCA4 protein (p.His1406Tyr). This variant is not present in population databases (gnomAD no frequency). This missense change has been observed in individual(s) with Stargardt disease (PMID: 17982420, 25312043). In at least one individual the data is consistent with being in trans (on the opposite chromosome) from a pathogenic variant. ClinVar contains an entry for this variant (Variation ID: 99259). Advanced modeling of protein sequence and biophysical properties (such as structural, functional, and spatial information, amino acid conservation, physicochemical variation, residue mobility, and thermodynamic stability) performed at Invitae indicates that this missense variant is expected to disrupt ABCA4 protein function with a positive predictive value of 95%. This variant disrupts the p.His1406 amino acid residue in ABCA4. Other variant(s) that disrupt this residue have been determined to be pathogenic (PMID: 21911583, 33090715; Invitae). This suggests that this residue is clinically significant, and that variants that disrupt this residue are likely to be disease-causing. For these reasons, this variant has been classified as Pathogenic.

Retina International
No classification provided. Review status: no classification provided. Collection method: not provided. Allele origin: not provided. Not counted in ClinVar's aggregate classification.

Literature cited by the submitters: PubMed 9973280 (cited by Women's Health and Genetics/Laboratory Corporation of America, LabCorp); PubMed 35120629 (cited by Women's Health and Genetics/Laboratory Corporation of America, LabCorp); PubMed 38219857 (cited by Women's Health and Genetics/Laboratory Corporation of America, LabCorp); PubMed 32653833 (cited by Women's Health and Genetics/Laboratory Corporation of America, LabCorp); PubMed 25301883 (cited by Women's Health and Genetics/Laboratory Corporation of America, LabCorp); PubMed 17982420 (cited by Labcorp Genetics (formerly Invitae), Labcorp); PubMed 25312043 (cited by Labcorp Genetics (formerly Invitae), Labcorp); PubMed 21911583 (cited by Labcorp Genetics (formerly Invitae), Labcorp); PubMed 33090715 (cited by Labcorp Genetics (formerly Invitae), Labcorp).